The following is an entry in ClinVar:

ClinVar aggregate classification (germline): Uncertain significance. Review status: criteria provided, multiple submitters, no conflicts (2 of 4 stars). 2 submissions from 2 submitters: Uncertain significance (2). Last evaluated 2022-07-17.

Conditions:
POLD1-related polyposis and colorectal cancer syndrome (CRCS10). Also called: Colorectal cancer, susceptibility to, 10; Colorectal cancer 10; COLORECTAL CANCER, SUSCEPTIBILITY TO, ON CHROMOSOME 19q. Identifiers: Orphanet 220460, MedGen C2675481, MONDO:0012953, OMIM 612591.

Allele frequency attached by ClinVar (database versions not stated): gnomAD exomes below 0.00001.
gnomAD v4.1: 1 of 1,610,700 alleles (0.000062%); highest among the groups gnomAD compares: Non-Finnish European, 0.000085%; no homozygotes.

Submissions (2):

GeneDx
Classification: Uncertain significance. Last evaluated: 2022-07-17. Review status: criteria provided, single submitter. Criteria: GeneDx Variant Classification Process June 2021. Collection method: clinical testing. Allele origin: germline. Affected: yes.
Comment: Not observed at significant frequency in large population cohorts (gnomAD); In silico analysis supports that this missense variant has a deleterious effect on protein structure/function; Has not been previously published as pathogenic or benign to our knowledge

Labcorp Genetics (formerly Invitae), Labcorp
Classification: Uncertain significance for POLD1-related polyposis and colorectal cancer syndrome. Last evaluated: 2020-02-27. Review status: criteria provided, single submitter. Criteria: Invitae Variant Classification Sherloc (09022015). Collection method: clinical testing. Allele origin: germline.
Comment: This sequence change replaces proline with alanine at codon 269 of the POLD1 protein (p.Pro269Ala). The proline residue is highly conserved and there is a small physicochemical difference between proline and alanine. This variant is not present in population databases (ExAC no frequency). This variant has not been reported in the literature in individuals with POLD1-related conditions. Algorithms developed to predict the effect of missense changes on protein structure and function are either unavailable or do not agree on the potential impact of this missense change (SIFT: "Deleterious"; PolyPhen-2: "Possibly Damaging"; Align-GVGD: "Class C0"). In summary, the available evidence is currently insufficient to determine the role of this variant in disease. Therefore, it has been classified as a Variant of Uncertain Significance.

NM_002691.4(POLD1):c.805C>G (p.Pro269Ala)

Gene: POLD1 (DNA polymerase delta 1, catalytic subunit; plus strand). Cytogenetic location: 19q13.33.
Variant type: single nucleotide variant.
Coding change: c.805C>G on transcript NM_002691.4 (MANE Select); coding-DNA position 805, C replaced by G.
Protein change: p.Pro269Ala; replaces proline 269 with alanine.
Molecular consequence: missense variant. On other transcripts: non-coding transcript variant (1).
Genome position (GRCh38, 1-based): chr19:50,402,500, C>G. VCF-style: chr19-50402500-C-G. GRCh37 (hg19) VCF-style: chr19-50905757-C-G.
Other names: c.805C>G, p.Pro269Ala (NM_001256849.1, NM_001308632.1); short protein forms P269A.
Identifiers: ClinVar variation 653372 (VCV000653372.10), dbSNP rs1173910214, ClinGen allele CA406974988.